The following is an entry in ClinVar:

NM_005359.6(SMAD4):c.796A>T (p.Thr266Ser)

Gene: SMAD4 (SMAD family member 4; plus strand). Cytogenetic location: 18q21.2.
Variant type: single nucleotide variant.
Coding change: c.796A>T on transcript NM_005359.6 (MANE Select); coding-DNA position 796, A replaced by T.
Protein change: p.Thr266Ser; replaces threonine 266 with serine.
Molecular consequence: missense variant. On other transcripts: non-coding transcript variant (2).
Genome position (GRCh38, 1-based): chr18:51,058,348, A>T. VCF-style: chr18-51058348-A-T. GRCh37 (hg19) VCF-style: chr18-48584718-A-T.
Other names: c.796A>T, p.Thr266Ser (NM_001407041.1, NM_001407042.1, NM_001407043.1); short protein forms T266S.
Identifiers: ClinVar variation 3798813 (VCV003798813.1).

ClinVar aggregate classification (germline): Uncertain significance (1 of 4 stars; one submission).

Conditions:
Familial thoracic aortic aneurysm and aortic dissection (TAAD). Also called: Thoracic aortic aneurysms and dissections. Identifiers: Orphanet 91387, MedGen C4707243, MONDO:0019625.
Hereditary cancer-predisposing syndrome. Also called: Neoplastic Syndromes, Hereditary; Hereditary Cancer Syndrome; Tumor predisposition; Hereditary neoplastic syndrome. Identifiers: Orphanet 140162, MedGen C0027672, MeSH D009386, MONDO:0015356.

Submission:

Ambry Genetics
Classification: Uncertain significance for Hereditary cancer-predisposing syndrome; Familial thoracic aortic aneurysm and aortic dissection. Last evaluated: 2025-02-04. Review status: criteria provided, single submitter. Criteria: Ambry Variant Classification Scheme 2023. Collection method: clinical testing. Allele origin: germline.
Comment: The p.T266S variant (also known as c.796A>T), located in coding exon 6 of the SMAD4 gene, results from an A to T substitution at nucleotide position 796. The threonine at codon 266 is replaced by serine, an amino acid with similar properties. This amino acid position is conserved. In addition, this alteration is predicted to be tolerated by in silico analysis. Based on the available evidence, the clinical significance of this variant remains unclear.